The following is an entry in ClinVar:

NM_199355.4(ADAMTS18):c.2521C>G (p.Leu841Val)

Gene: ADAMTS18 (ADAM metallopeptidase with thrombospondin type 1 motif 18; minus strand). Cytogenetic location: 16q23.1.
Variant type: single nucleotide variant.
Coding change: c.2521C>G on transcript NM_199355.4 (MANE Select); coding-DNA position 2521, C replaced by G.
Protein change: p.Leu841Val; replaces leucine 841 with valine.
Molecular consequence: missense variant.
Genome position (GRCh38, 1-based): chr16:77,319,860, G>C on the plus strand (C>G on the coding strand, the complement: ADAMTS18 is on the minus strand). VCF-style: chr16-77319860-G-C. GRCh37 (hg19) VCF-style: chr16-77353757-G-C.
Other names: c.2005C>G, p.Leu669Val (NM_001326358.2); short protein forms L841V, L669V.
Identifiers: ClinVar variation 1929132 (VCV001929132.4), dbSNP rs2543644258, ClinGen allele CA396827145.

ClinVar aggregate classification (germline): Uncertain significance (1 of 4 stars; one submission).

Allele frequency attached by ClinVar (database versions not stated): gnomAD exomes below 0.00001.
gnomAD v4.1: 3 of 1,614,190 alleles (0.00019%); highest among the groups gnomAD compares: Middle Eastern, 0.017%; no homozygotes.

Submission:

Labcorp Genetics (formerly Invitae), Labcorp
Classification: Uncertain significance. Last evaluated: 2023-04-05. Review status: criteria provided, single submitter. Criteria: Invitae Variant Classification Sherloc (09022015). Collection method: clinical testing. Allele origin: germline.
Comment: This variant is not present in population databases (gnomAD no frequency). This sequence change replaces leucine, which is neutral and non-polar, with valine, which is neutral and non-polar, at codon 841 of the ADAMTS18 protein (p.Leu841Val). This variant has not been reported in the literature in individuals affected with ADAMTS18-related conditions. ClinVar contains an entry for this variant (Variation ID: 1929132). An algorithm developed to predict the effect of missense changes on protein structure and function (PolyPhen-2) suggests that this variant is likely to be disruptive. In summary, the available evidence is currently insufficient to determine the role of this variant in disease. Therefore, it has been classified as a Variant of Uncertain Significance.